The following is an entry in ClinVar:

ClinVar aggregate classification (germline): Uncertain significance. Review status: criteria provided, multiple submitters, no conflicts (2 of 4 stars). 2 submissions from 2 submitters: Uncertain significance (2). Last evaluated 2025-10-31.

gnomAD v4.1: 46 of 1,614,040 alleles (0.0028%); highest among the groups gnomAD compares: East Asian, 0.045%; no homozygotes.

Submissions (2):

Dasa
Classification: Uncertain significance. Last evaluated: 2025-10-31. Review status: criteria provided, single submitter. Criteria: DASA Assertion Criteria. Collection method: clinical testing. Allele origin: germline.
Comment: NM_001197293.3(DPYSL2):c.1475A>G (p.Asn492Ser) is a missense variant that results in the substitution of asparagine with serine. This variant is rare in population databases. Computational prediction algorithms are consistent with a deleterious effect. The currently available literature and clinical evidence are not sufficient to establish a definitive association between this variant and the reported condition. Therefore, this variant is classified as a variant of uncertain significance.

Ambry Genetics
Classification: Uncertain significance. Last evaluated: 2024-09-30. Review status: criteria provided, single submitter. Criteria: Ambry Variant Classification Scheme 2023. Collection method: clinical testing. Allele origin: germline.

NM_001197293.3(DPYSL2):c.1475A>G (p.Asn492Ser)

Gene: DPYSL2 (dihydropyrimidinase like 2; plus strand). Cytogenetic location: 8p21.2.
Variant type: single nucleotide variant.
Coding change: c.1475A>G on transcript NM_001197293.3 (MANE Select); coding-DNA position 1475, A replaced by G.
Protein change: p.Asn492Ser; replaces asparagine 492 with serine.
Molecular consequence: missense variant.
Genome position (GRCh38, 1-based): chr8:26,647,679, A>G. VCF-style: chr8-26647679-A-G. GRCh37 (hg19) VCF-style: chr8-26505195-A-G.
Other names: c.1052A>G, p.Asn351Ser (NM_001244604.2); c.1160A>G, p.Asn387Ser (NM_001386.6); short protein forms N387S, N492S, N351S.
Identifiers: ClinVar variation 3505107 (VCV003505107.3).